The following is an entry in ClinVar:

NM_000179.3(MSH6):c.1011G>T (p.Leu337Phe)

Gene: MSH6 (mutS homolog 6; plus strand). Cytogenetic location: 2p16.3.
Variant type: single nucleotide variant.
Coding change: c.1011G>T on transcript NM_000179.3 (MANE Select); coding-DNA position 1011, G replaced by T.
Protein change: p.Leu337Phe; replaces leucine 337 with phenylalanine.
Molecular consequence: missense variant.
Genome position (GRCh38, 1-based): chr2:47,798,994, G>T. VCF-style: chr2-47798994-G-T. GRCh37 (hg19) VCF-style: chr2-48026133-G-T.
Other names: c.621G>T, p.Leu207Phe (NM_001281492.2); c.105G>T, p.Leu35Phe (NM_001281493.2, NM_001281494.2); short protein forms L337F, L35F, L207F.
Identifiers: ClinVar variation 919753 (VCV000919753.3), dbSNP rs1669284787, ClinGen allele CA346741261.
Genomic context (GRCh38, chr2:47,798,994, plus strand): 5'-GGAAACGCCCTCAGCCACCAAACAAGCAACTAGCATTTCATCAGAAACCAAGAATACTTT[G>T]AGAGCTTTCTCTGCCCCTCAAAATTCTGAATCCCAAGCCCACGTTAGTGGAGGTGGTGAT-3'
Protein context (NP_000170.1, residues 327-347): TSISSETKNT[Leu337Phe]RAFSAPQNSE

ClinVar aggregate classification (germline): Uncertain significance (1 of 4 stars; one submission).

Conditions:
Hereditary cancer-predisposing syndrome. Also called: Neoplastic Syndromes, Hereditary; Tumor predisposition; Hereditary Cancer Syndrome; Hereditary neoplastic syndrome. Identifiers: Orphanet 140162, MedGen C0027672, MeSH D009386, MONDO:0015356.

Submission:

Color Diagnostics, LLC DBA Color Health
Classification: Uncertain significance for Hereditary cancer-predisposing syndrome. Last evaluated: 2020-03-17. Review status: criteria provided, single submitter. Criteria: ACMG Guidelines, 2015. Collection method: clinical testing. Allele origin: germline.
Comment: This missense variant replaces leucine with phenylalanine at codon 337 of the MSH6 protein. Computational prediction suggests that this variant may not impact protein structure and function (internally defined REVEL score threshold <= 0.5, PMID: 27666373). Splice site prediction tools suggest that this variant may not impact RNA splicing. To our knowledge, functional studies have not been reported for this variant. This variant has not been reported in individuals affected with hereditary cancer in the literature. This variant has not been identified in the general population by the Genome Aggregation Database (gnomAD). The available evidence is insufficient to determine the role of this variant in disease conclusively. Therefore, this variant is classified as a Variant of Uncertain Significance.